The following is an entry in ClinVar:

ClinVar aggregate classification (germline): Likely risk allele (0 of 4 stars; one submission).

Conditions:
Pulmonary fibrosis. Identifiers: MedGen C0034069, MONDO:0002771, HP:0002206.

Submission:

Garcia Pulmonary Genetics Research Laboratory, Columbia University Irving Medical Center
Classification: Likely risk allele for Pulmonary fibrosis. Last evaluated: 2022-06-09. Review status: no assertion criteria provided. Collection method: research. Allele origin: germline. Affected: yes.
Comment: Leukocyte telomere length (by qPCR) less than 10th percentile age-adjusted

NC_000003.12:g.169764628C>G

Gene: TERC (telomerase RNA component; minus strand). Cytogenetic location: 3q26.2.
Variant type: single nucleotide variant.
Genome position: GRCh38 VCF-style: chr3-169764628-C-G. GRCh37 (hg19) VCF-style: chr3-169482416-C-G.
Identifiers: ClinVar variation 1695965 (VCV001695965.1), dbSNP rs2108182738, ClinGen allele CA436714743.